The following is an entry in ClinVar:

NM_001377.3(DYNC2H1):c.11713_11716del (p.Arg3905fs)

Gene: DYNC2H1 (dynein cytoplasmic 2 heavy chain 1; plus strand). Cytogenetic location: 11q22.3.
Variant type: Deletion.
Coding change: c.11713_11716del on transcript NM_001377.3 (MANE Select); coding-DNA positions 11713 to 11716, 4 bases deleted (AGAC; older notation c.11713_11716delAGAC).
Protein change: p.Arg3905fs; shifts the reading frame from arginine 3905.
Molecular consequence: frameshift variant.
Genome position (GRCh38, 1-based): chr11:103,316,608-103,316,611, AGAC deleted; deleting any 4 consecutive bases within chr11:103,316,605-103,316,611 gives the same sequence; the c. name uses the placement nearest the transcript's 3' end. VCF-style (leftmost placement, unchanged base first): chr11-103316604-TGACA-T. GRCh37 (hg19) VCF-style: chr11-103187333-TGACA-T.
Other names: c.11734_11737del, p.Arg3912fs (NM_001080463.2); short protein forms R3905fs, R3912fs.
Identifiers: ClinVar variation 446583 (VCV000446583.6), dbSNP rs1453448143, ClinGen allele CA476607832.

ClinVar aggregate classification (germline): Pathogenic. Review status: criteria provided, single submitter (1 of 4 stars). 3 submissions from 3 submitters: Pathogenic (1). 2 of the submissions do not count toward it. Last evaluated 2023-12-01.

Conditions:
Jeune thoracic dystrophy. Also called: Jeune syndrome; Infantile thoracic dystrophy; Thoracic pelvic phalangeal dystrophy; Jeune's syndrome; Chondroectodermal dysplasia-like syndrome; Short-rib thoracic dysplasia. Identifiers: Orphanet 474, MedGen C0265275, MONDO:0018770.
Asphyxiating thoracic dystrophy 3. Also called: POLYDACTYLY WITH NEONATAL CHONDRODYSTROPHY, TYPE I; Saldino-Noonan Syndrome; Short rib polydactyly syndrome 2B; SHORT-RIB THORACIC DYSPLASIA 3/6 WITH POLYDACTYLY, DIGENIC; SHORT-RIB THORACIC DYSPLASIA 3 WITH OR WITHOUT POLYDACTYLY. Identifiers: Orphanet 474, Orphanet 93269, Orphanet 93270, Orphanet 93271, MedGen C0036069, MONDO:0013127, OMIM 613091.

Submissions (3):

Labcorp Genetics (formerly Invitae), Labcorp
Classification: Pathogenic for Jeune thoracic dystrophy. Last evaluated: 2023-12-01. Review status: criteria provided, single submitter. Criteria: Invitae Variant Classification Sherloc (09022015). Collection method: clinical testing. Allele origin: germline.
Comment: This sequence change creates a premature translational stop signal (p.Arg3912Phefs*26) in the DYNC2H1 gene. It is expected to result in an absent or disrupted protein product. Loss-of-function variants in DYNC2H1 are known to be pathogenic (PMID: 23339108, 32753734, 33755199). This variant is not present in population databases (gnomAD no frequency). This premature translational stop signal has been observed in individual(s) with DYNC2H1-related conditions (PMID: 29068549). ClinVar contains an entry for this variant (Variation ID: 446583). For these reasons, this variant has been classified as Pathogenic.

Dan Cohn Lab, University Of California Los Angeles
Classification: Pathogenic for Asphyxiating thoracic dystrophy 3. Last evaluated: 2017-06-01. Review status: no assertion criteria provided. Collection method: research. Allele origin: unknown. Affected: yes. Not counted in ClinVar's aggregate classification.

University of Washington Center for Mendelian Genomics, University of Washington
Classification: Likely pathogenic for Asphyxiating thoracic dystrophy 3. Review status: no assertion criteria provided. Collection method: research. Allele origin: inherited. Affected: yes. Not counted in ClinVar's aggregate classification.

Literature cited by the submitters: PubMed 23339108 (cited by Labcorp Genetics (formerly Invitae), Labcorp); PubMed 32753734 (cited by Labcorp Genetics (formerly Invitae), Labcorp); PubMed 33755199 (cited by Labcorp Genetics (formerly Invitae), Labcorp); PubMed 29068549 (cited by 3 submitters).